The following is an entry in ClinVar:

ClinVar aggregate classification (germline): Uncertain significance (1 of 4 stars; one submission).

Conditions:
Hereditary cancer-predisposing syndrome. Also called: Hereditary neoplastic syndrome; Hereditary Cancer Syndrome; Neoplastic Syndromes, Hereditary; Tumor predisposition. Identifiers: Orphanet 140162, MedGen C0027672, MeSH D009386, MONDO:0015356.

Submission:

Ambry Genetics
Classification: Uncertain significance for Hereditary cancer-predisposing syndrome. Last evaluated: 2023-05-02. Review status: criteria provided, single submitter. Criteria: Ambry Variant Classification Scheme 2023. Collection method: clinical testing. Allele origin: germline.
Comment: The p.L497Q variant (also known as c.1490T>A), located in coding exon 11 of the APC gene, results from a T to A substitution at nucleotide position 1490. The leucine at codon 497 is replaced by glutamine, an amino acid with dissimilar properties. This amino acid position is conserved. In addition, in silico predictors for this gene do not accurately predict pathogenicity. Since supporting evidence is limited at this time, the clinical significance of this alteration remains unclear.

NM_000038.6(APC):c.1490T>A (p.Leu497Gln)

Gene: APC (APC regulator of Wnt signaling pathway; plus strand). Cytogenetic location: 5q22.2.
Variant type: single nucleotide variant.
Coding change: c.1490T>A on transcript NM_000038.6 (MANE Select); coding-DNA position 1490, T replaced by A.
Protein change: p.Leu497Gln; replaces leucine 497 with glutamine.
Molecular consequence: missense variant.
Genome position (GRCh38, 1-based): chr5:112,827,189, T>A. VCF-style: chr5-112827189-T-A. GRCh37 (hg19) VCF-style: chr5-112162886-T-A.
Other names: c.1490T>A, p.Leu497Gln (NM_001127510.3, NM_001354895.2, NM_001407450.1); c.1436T>A, p.Leu479Gln (NM_001127511.3); c.1544T>A, p.Leu515Gln (NM_001354896.2, NM_001407447.1, NM_001407448.1 and 1 more transcripts); c.1520T>A, p.Leu507Gln (NM_001354897.2); c.1415T>A, p.Leu472Gln (NM_001354898.2); c.1406T>A, p.Leu469Gln (NM_001354899.2); c.1367T>A, p.Leu456Gln (NM_001354900.2); c.1313T>A, p.Leu438Gln (NM_001354901.2, NM_001407453.1); and 11 more; short protein forms L371Q, L438Q, L456Q, L490Q, L497Q, L406Q, L414Q, L472Q.
Identifiers: ClinVar variation 2567007 (VCV002567007.2), dbSNP rs2533198238, ClinGen allele CA16024569.